The following is an entry in ClinVar:

ClinVar aggregate classification (germline): Uncertain significance. Review status: criteria provided, multiple submitters, no conflicts (2 of 4 stars). 2 submissions from 2 submitters: Uncertain significance (2). Last evaluated 2025-12-02.

Conditions:
Familial focal epilepsy with variable foci (FPEVF). Identifiers: Orphanet 98820, MedGen C1858477, MONDO:0020310.

Allele frequency attached by ClinVar (database versions not stated): ExAC 0.00001; gnomAD 0.00001; gnomAD exomes 0.00001; TOPMed 0.00001.
gnomAD v4.1: 4 of 1,614,248 alleles (0.00025%); highest among the groups gnomAD compares: Admixed American, 0.0067%; no homozygotes.

Submissions (2):

Labcorp Genetics (formerly Invitae), Labcorp
Classification: Uncertain significance for Familial focal epilepsy with variable foci. Last evaluated: 2025-12-02. Review status: criteria provided, single submitter. Criteria: Invitae Variant Classification Sherloc (09022015). Collection method: clinical testing. Allele origin: germline.
Comment: This sequence change replaces isoleucine, which is neutral and non-polar, with valine, which is neutral and non-polar, at codon 630 of the DEPDC5 protein (p.Ile630Val). This variant is present in population databases (rs775666547, gnomAD 0.003%). This variant has not been reported in the literature in individuals affected with DEPDC5-related conditions. ClinVar contains an entry for this variant (Variation ID: 1045377). Experimental studies and prediction algorithms are not available or were not evaluated, and the functional significance of this variant is currently unknown. In summary, the available evidence is currently insufficient to determine the role of this variant in disease. Therefore, it has been classified as a Variant of Uncertain Significance.

Mayo Clinic Laboratories, Mayo Clinic
Classification: Uncertain significance. Last evaluated: 2025-09-07. Review status: criteria provided, single submitter. Criteria: ACMG Guidelines, 2015. Collection method: clinical testing. Allele origin: germline. Observed: 1 variant allele.
Comment: BP4_moderate, PP2, PM2_supporting

NM_001242896.3(DEPDC5):c.1888A>G (p.Ile630Val)

Gene: DEPDC5 (DEP domain containing 5, GATOR1 subcomplex subunit; plus strand). Cytogenetic location: 22q12.3.
Variant type: single nucleotide variant.
Coding change: c.1888A>G on transcript NM_001242896.3 (MANE Select); coding-DNA position 1888, A replaced by G.
Protein change: p.Ile630Val; replaces isoleucine 630 with valine.
Molecular consequence: missense variant. On other transcripts: non-coding transcript variant (4), intron variant (3).
Genome position (GRCh38, 1-based): chr22:31,821,519, A>G. VCF-style: chr22-31821519-A-G. GRCh37 (hg19) VCF-style: chr22-32217505-A-G.
Other names: p.Ile630Val; c.1888A>G, p.Ile630Val (NM_001136029.4, NM_001363852.2, NM_001364318.2 and 3 more transcripts); c.1804A>G, p.Ile602Val (NM_001369901.1, NM_001369902.1); c.1870+2294A>G (NM_001363854.2, NM_001242897.2, NM_001364319.2); short protein forms I602V, I630V.
Identifiers: ClinVar variation 1045377 (VCV001045377.9), dbSNP rs775666547, ClinGen allele CA10196494.